The following is an entry in ClinVar:

NM_002432.3(MNDA):c.329G>A (p.Gly110Asp)

Gene: MNDA (myeloid cell nuclear differentiation antigen; plus strand). Cytogenetic location: 1q23.1.
Variant type: single nucleotide variant.
Coding change: c.329G>A on transcript NM_002432.3 (MANE Select); coding-DNA position 329, G replaced by A.
Protein change: p.Gly110Asp; replaces glycine 110 with aspartic acid.
Molecular consequence: missense variant.
Genome position (GRCh38, 1-based): chr1:158,843,342, G>A. VCF-style: chr1-158843342-G-A. GRCh37 (hg19) VCF-style: chr1-158813132-G-A.
Other names: short protein forms G110D.
Identifiers: ClinVar variation 3397290 (VCV003397290.1).

ClinVar aggregate classification (germline): Uncertain significance (1 of 4 stars; one submission).

Submission:

Ambry Genetics
Classification: Uncertain significance. Last evaluated: 2024-09-12. Review status: criteria provided, single submitter. Criteria: Ambry Variant Classification Scheme 2023. Collection method: clinical testing. Allele origin: germline.
Comment: The p.G110D variant (also known as c.329G>A), located in coding exon 2 of the MNDA gene, results from a G to A substitution at nucleotide position 329. The glycine at codon 110 is replaced by aspartic acid, an amino acid with similar properties. This amino acid position is conserved. In addition, this alteration is predicted to be tolerated by in silico analysis. Based on the available evidence, the clinical significance of this variant remains unclear.